The following is an entry in ClinVar:

ClinVar aggregate classification (germline): Uncertain significance (1 of 4 stars; one submission).

Allele frequency attached by ClinVar (database versions not stated): gnomAD exomes 0.00001; TOPMed 0.00001; ExAC 0.00002; ESP Exome Variant Server 0.00008.
gnomAD v4.1: 14 of 1,612,262 alleles (0.00087%); highest among the groups gnomAD compares: South Asian, 0.0022%; no homozygotes.

Submission:

Women's Health and Genetics/Laboratory Corporation of America, LabCorp
Classification: Uncertain significance. Last evaluated: 2023-12-12. Review status: criteria provided, single submitter. Criteria: LabCorp Variant Classification Summary - May 2015. Collection method: clinical testing. Allele origin: germline.
Comment: Variant summary: SLC25A24 c.715C>T (p.Arg239X) results in a premature termination codon, predicted to cause a truncation of the encoded protein or absence of the protein due to nonsense mediated decay, however current evidence is not sufficient to establish loss-of-function variants in SLC25A24 as causative of disease. The variant allele was found at a frequency of 8e-06 in 250044 control chromosomes. The available data on variant occurrences in the general population are insufficient to allow any conclusion about variant significance. To our knowledge, no occurrence of c.715C>T in individuals affected with Fontaine Progeroid Syndrome and no experimental evidence demonstrating its impact on protein function have been reported. No submitters have cited clinical-significance assessments for this variant to ClinVar after 2014. Based on the evidence outlined above, the variant was classified as uncertain significance.

NM_013386.5(SLC25A24):c.715C>T (p.Arg239Ter)

Gene: SLC25A24 (solute carrier family 25 member 24; minus strand). Cytogenetic location: 1p13.3.
Variant type: single nucleotide variant.
Coding change: c.715C>T on transcript NM_013386.5 (MANE Select); coding-DNA position 715, C replaced by T.
Protein change: p.Arg239Ter; replaces arginine 239 with a stop codon.
Molecular consequence: nonsense.
Genome position (GRCh38, 1-based): chr1:108,155,090, G>A on the plus strand (C>T on the coding strand, the complement: SLC25A24 is on the minus strand). VCF-style: chr1-108155090-G-A. GRCh37 (hg19) VCF-style: chr1-108697712-G-A.
Other names: c.658C>T, p.Arg220Ter (NM_213651.3); short protein forms R220*, R239*.
Identifiers: ClinVar variation 2691636 (VCV002691636.1), dbSNP rs147531188, ClinGen allele CA979215.